The following is an entry in ClinVar:

ClinVar aggregate classification (germline): Uncertain significance (1 of 4 stars; one submission).

Allele frequency attached by ClinVar (database versions not stated): ExAC 0.00001; gnomAD exomes below 0.00001.
gnomAD v4.1: 1 of 1,614,138 alleles (0.000062%); highest among the groups gnomAD compares: Admixed American, 0.0017%; no homozygotes.

Submission:

Labcorp Genetics (formerly Invitae), Labcorp
Classification: Uncertain significance. Last evaluated: 2022-04-15. Review status: criteria provided, single submitter. Criteria: Invitae Variant Classification Sherloc (09022015). Collection method: clinical testing. Allele origin: germline.
Comment: This variant has not been reported in the literature in individuals affected with ARNT2-related conditions. Algorithms developed to predict the effect of sequence changes on RNA splicing suggest that this variant may disrupt the consensus splice site. In summary, the available evidence is currently insufficient to determine the role of this variant in disease. Therefore, it has been classified as a Variant of Uncertain Significance. This variant is present in population databases (rs756693061, gnomAD 0.003%). This sequence change affects codon 576 of the ARNT2 mRNA. It is a 'silent' change, meaning that it does not change the encoded amino acid sequence of the ARNT2 protein.

NM_014862.4(ARNT2):c.1728G>T (p.Gly576=)

Genes: ARNT2 (aryl hydrocarbon receptor nuclear translocator 2; plus strand), ARNT2-AS1 (ARNT2 antisense RNA 1; minus strand). Cytogenetic location: 15q25.1.
Variant type: single nucleotide variant.
Coding change: c.1728G>T on transcript NM_014862.4 (MANE Select); coding-DNA position 1728, G replaced by T.
Protein change: p.Gly576=; no amino-acid change (glycine 576 retained).
Molecular consequence: synonymous variant.
Genome position (GRCh38, 1-based): chr15:80,580,525, G>T. VCF-style: chr15-80580525-G-T. GRCh37 (hg19) VCF-style: chr15-80872866-G-T.
Identifiers: ClinVar variation 2039678 (VCV002039678.3), dbSNP rs756693061, ClinGen allele CA7692117.